The following is an entry in ClinVar:

ClinVar aggregate classification (germline): Uncertain significance. Review status: criteria provided, multiple submitters, no conflicts (2 of 4 stars). 4 submissions from 4 submitters: Uncertain significance (4). Last evaluated 2025-02-25.

Conditions:
Catecholaminergic polymorphic ventricular tachycardia 1. Also called: VENTRICULAR TACHYCARDIA, CATECHOLAMINERGIC POLYMORPHIC, 1, WITH OR WITHOUT ATRIAL DYSFUNCTION AND/OR DILATED CARDIOMYOPATHY; RYR2-Related Catecholaminergic Polymorphic Ventricular Tachycardia; VENTRICULAR TACHYCARDIA, STRESS-INDUCED POLYMORPHIC 1. Identifiers: Orphanet 3286, MedGen C1631597, MONDO:0011484, OMIM 604772.
Cardiovascular phenotype. Identifiers: MedGen CN230736.
Catecholaminergic polymorphic ventricular tachycardia (CVPT). Also called: Catecholamine-induced polymorphic ventricular tachycardia. Identifiers: Orphanet 3286, MedGen C5574922, MONDO:0017990.

Allele frequency attached by ClinVar (database versions not stated): gnomAD exomes 0.00001.
gnomAD v4.1: 12 of 1,613,988 alleles (0.00074%); highest among the groups gnomAD compares: Admixed American, 0.0033%; no homozygotes.

Submissions (4):

Ambry Genetics
Classification: Uncertain significance for Cardiovascular phenotype. Last evaluated: 2025-02-25. Review status: criteria provided, single submitter. Criteria: Ambry Variant Classification Scheme 2023. Collection method: clinical testing. Allele origin: germline.
Comment: The p.G714D variant (also known as c.2141G>A), located in coding exon 20 of the RYR2 gene, results from a G to A substitution at nucleotide position 2141. The glycine at codon 714 is replaced by aspartic acid, an amino acid with similar properties. This amino acid position is highly conserved in available vertebrate species. In addition, this alteration is predicted to be deleterious by in silico analysis. Based on the available evidence, the clinical significance of this variant remains unclear.

All of Us Research Program, National Institutes of Health
Classification: Uncertain significance for Catecholaminergic polymorphic ventricular tachycardia. Last evaluated: 2024-01-11. Review status: criteria provided, single submitter. Criteria: ACMG Guidelines, 2015. Collection method: clinical testing. Allele origin: germline. Inheritance: Autosomal dominant inheritance. Observed: 2 variant alleles, 2 heterozygotes.
Comment: This study involves interpretation of variants in research participants for the purpose of population health screening. Participant phenotype was not available at the time of variant classification. Additional details can be found in publication PMID: 35346344, PMCID: PMC8962531

GeneDx
Classification: Uncertain significance. Last evaluated: 2022-10-26. Review status: criteria provided, single submitter. Criteria: GeneDx Variant Classification Process June 2021. Collection method: clinical testing. Allele origin: germline. Affected: yes.
Comment: Not observed at significant frequency in large population cohorts (gnomAD); In silico analysis supports that this missense variant has a deleterious effect on protein structure/function; Has not been previously published as pathogenic or benign to our knowledge

Labcorp Genetics (formerly Invitae), Labcorp
Classification: Uncertain significance for Catecholaminergic polymorphic ventricular tachycardia 1. Last evaluated: 2022-05-19. Review status: criteria provided, single submitter. Criteria: Invitae Variant Classification Sherloc (09022015). Collection method: clinical testing. Allele origin: germline.
Comment: In summary, the available evidence is currently insufficient to determine the role of this variant in disease. Therefore, it has been classified as a Variant of Uncertain Significance. This sequence change replaces glycine, which is neutral and non-polar, with aspartic acid, which is acidic and polar, at codon 714 of the RYR2 protein (p.Gly714Asp). This variant is not present in population databases (gnomAD no frequency). This variant has not been reported in the literature in individuals affected with RYR2-related conditions. Algorithms developed to predict the effect of missense changes on protein structure and function (SIFT, PolyPhen-2, Align-GVGD) all suggest that this variant is likely to be disruptive.

NM_001035.3(RYR2):c.2141G>A (p.Gly714Asp)

Gene: RYR2 (ryanodine receptor 2; plus strand). Cytogenetic location: 1q43.
Variant type: single nucleotide variant.
Coding change: c.2141G>A on transcript NM_001035.3 (MANE Select); coding-DNA position 2141, G replaced by A.
Protein change: p.Gly714Asp; replaces glycine 714 with aspartic acid.
Molecular consequence: missense variant.
Genome position (GRCh38, 1-based): chr1:237,496,690, G>A. VCF-style: chr1-237496690-G-A. GRCh37 (hg19) VCF-style: chr1-237659990-G-A.
Other names: c.2141G>A (NM_001035.2); short protein forms G714D.
Identifiers: ClinVar variation 2077491 (VCV002077491.7), dbSNP rs1664110784, ClinGen allele CA345392119.